The following is an entry in ClinVar:

ClinVar aggregate classification (germline): Likely benign (0 of 4 stars; one submission).

Conditions:
ADCY3-related disorder. Also called: ADCY3-related condition.

gnomAD v4.1: 1 of 1,614,062 alleles (0.000062%); highest among the groups gnomAD compares: Non-Finnish European, 0.000085%; no homozygotes.

Submission:

PreventionGenetics, part of Exact Sciences
Classification: Likely benign for ADCY3-related condition. Last evaluated: 2024-05-24. Review status: no assertion criteria provided. Collection method: clinical testing. Allele origin: germline.
Comment: This variant is classified as likely benign based on ACMG/AMP sequence variant interpretation guidelines (Richards et al. 2015 PMID: 25741868, with internal and published modifications).

NM_004036.5(ADCY3):c.1840C>A (p.Arg614=)

Gene: ADCY3 (adenylate cyclase 3; minus strand). Cytogenetic location: 2p23.3.
Variant type: single nucleotide variant.
Coding change: c.1840C>A on transcript NM_004036.5 (MANE Select); coding-DNA position 1840, C replaced by A.
Protein change: p.Arg614=; no amino-acid change (arginine 614 retained).
Molecular consequence: synonymous variant.
Genome position (GRCh38, 1-based): chr2:24,834,612, G>T on the plus strand (C>A on the coding strand, the complement: ADCY3 is on the minus strand). VCF-style: chr2-24834612-G-T. GRCh37 (hg19) VCF-style: chr2-25057481-G-T.
Other names: c.1840C>A, p.Arg614= (NM_001320613.2, NM_001377129.1, NM_001377130.1 and 1 more transcripts); c.1906C>A, p.Arg636= (NM_001377128.1); c.1117C>A, p.Arg373= (NM_001377131.1).
Identifiers: ClinVar variation 3345891 (VCV003345891.1).